The following is an entry in ClinVar:

NM_003816.3(ADAM9):c.2400G>T (p.Gln800His)

Gene: ADAM9 (ADAM metallopeptidase domain 9; plus strand). Cytogenetic location: 8p11.22.
Variant type: single nucleotide variant.
Coding change: c.2400G>T on transcript NM_003816.3 (MANE Select); coding-DNA position 2400, G replaced by T.
Protein change: p.Gln800His; replaces glutamine 800 with histidine.
Molecular consequence: missense variant. On other transcripts: non-coding transcript variant (3).
Genome position (GRCh38, 1-based): chr8:39,103,640, G>T. VCF-style: chr8-39103640-G-T. GRCh37 (hg19) VCF-style: chr8-38961159-G-T.
Other names: short protein forms Q800H.
Identifiers: ClinVar variation 1052130 (VCV001052130.5), dbSNP rs145276865, ClinGen allele CA4721908.

ClinVar aggregate classification (germline): Uncertain significance. Review status: criteria provided, multiple submitters, no conflicts (2 of 4 stars). 3 submissions from 3 submitters: Uncertain significance (2). 1 of the submissions does not count toward it. Last evaluated 2024-08-12.

Conditions:
Retinal dystrophy. Also called: Inherited retinal dystrophy. Identifiers: Orphanet 71862, MedGen C0854723, MeSH D058499, MONDO:0019118, HP:0000556.

Allele frequency attached by ClinVar (database versions not stated): gnomAD 0.00006 and 0.00009; gnomAD exomes 0.00006 and 0.00014; ExAC 0.00007; TOPMed 0.00013; ESP Exome Variant Server 0.00015.
gnomAD v4.1: 107 of 1,614,060 alleles (0.0066%); highest among the groups gnomAD compares: Middle Eastern, 0.2%; 1 homozygote.

Submissions (3):

Blueprint Genetics
Classification: Uncertain significance. Last evaluated: 2024-08-12. Review status: criteria provided, single submitter. Criteria: ACMG Guidelines, 2015. Collection method: clinical testing. Allele origin: germline.

Labcorp Genetics (formerly Invitae), Labcorp
Classification: Uncertain significance. Last evaluated: 2023-11-27. Review status: criteria provided, single submitter. Criteria: Invitae Variant Classification Sherloc (09022015). Collection method: clinical testing. Allele origin: germline.
Comment: This sequence change replaces glutamine, which is neutral and polar, with histidine, which is basic and polar, at codon 800 of the ADAM9 protein (p.Gln800His). This variant is present in population databases (rs145276865, gnomAD 0.06%). This variant has not been reported in the literature in individuals affected with ADAM9-related conditions. ClinVar contains an entry for this variant (Variation ID: 1052130). An algorithm developed to predict the effect of missense changes on protein structure and function (PolyPhen-2) suggests that this variant is likely to be disruptive. In summary, the available evidence is currently insufficient to determine the role of this variant in disease. Therefore, it has been classified as a Variant of Uncertain Significance.

Institute of Human Genetics, Univ. Regensburg, Univ. Regensburg
Classification: Uncertain significance for Retinal dystrophy. Last evaluated: 2022-01-01. Review status: no assertion criteria provided. Criteria: ACMG Guidelines, 2015. Collection method: clinical testing. Allele origin: germline. Affected: yes. Not counted in ClinVar's aggregate classification.